The following is an entry in ClinVar:

ClinVar aggregate classification (germline): Uncertain significance (1 of 4 stars; one submission).

Conditions:
Glycine encephalopathy. Also called: Non-ketotic hyperglycinemia; Nonketotic hyperglycinemia. Identifiers: Orphanet 407, MedGen C0751748, MONDO:0011612, HP:0008288.

Submission:

Labcorp Genetics (formerly Invitae), Labcorp
Classification: Uncertain significance for Glycine encephalopathy. Last evaluated: 2022-04-15. Review status: criteria provided, single submitter. Criteria: Invitae Variant Classification Sherloc (09022015). Collection method: clinical testing. Allele origin: germline.
Comment: Advanced modeling of protein sequence and biophysical properties (such as structural, functional, and spatial information, amino acid conservation, physicochemical variation, residue mobility, and thermodynamic stability) performed at Invitae indicates that this missense variant is expected to disrupt GLDC protein function. This variant has not been reported in the literature in individuals affected with GLDC-related conditions. This variant is not present in population databases (gnomAD no frequency). In summary, the available evidence is currently insufficient to determine the role of this variant in disease. Therefore, it has been classified as a Variant of Uncertain Significance. This sequence change replaces tyrosine, which is neutral and polar, with histidine, which is basic and polar, at codon 326 of the GLDC protein (p.Tyr326His).

NM_000170.3(GLDC):c.976T>C (p.Tyr326His)

Gene: GLDC (glycine decarboxylase; minus strand). Cytogenetic location: 9p24.1.
Variant type: single nucleotide variant.
Coding change: c.976T>C on transcript NM_000170.3 (MANE Select); coding-DNA position 976, T replaced by C.
Protein change: p.Tyr326His; replaces tyrosine 326 with histidine.
Molecular consequence: missense variant.
Genome position (GRCh38, 1-based): chr9:6,604,670, A>G on the plus strand (T>C on the coding strand, the complement: GLDC is on the minus strand). VCF-style: chr9-6604670-A-G. GRCh37 (hg19) VCF-style: chr9-6604670-A-G.
Other names: short protein forms Y326H.
Identifiers: ClinVar variation 2114821 (VCV002114821.4), dbSNP rs2489103042, ClinGen allele CA372895576.
Genomic context (GRCh38, chr9:6,604,670, plus strand): 5'-CAGGCATCATTCTCACCAAGCTTTCTCGGACAGCAAAAAATGCTGCATGGGGTCCCCCAT[A>G]GCCCAGTGGCACTCCAAATCTCTGGGAGCTGCCCAGGGCGATGTCTACCCCAAATTCTCC-3'
Protein context (NP_000161.2, residues 316-336): SSQRFGVPLG[Tyr326His]GGPHAAFFAV